The following is an entry in ClinVar:

NM_173651.4(FSIP2):c.2511del (p.Phe837fs)

Genes: FSIP2 (fibrous sheath interacting protein 2; plus strand), FSIP2-AS1 (FSIP2 antisense RNA 1; minus strand). Cytogenetic location: 2q32.1.
Variant type: Deletion.
Coding change: c.2511del on transcript NM_173651.4 (MANE Select); coding-DNA position 2511, one base deleted (T; older notation c.2511delT).
Protein change: p.Phe837fs; shifts the reading frame from phenylalanine 837.
Molecular consequence: frameshift variant.
Genome position (GRCh38, 1-based): chr2:185,789,647, T deleted; the last of 4 consecutive T bases (chr2:185,789,644-185,789,647); deleting any one gives the same sequence. VCF-style (leftmost placement, unchanged base first): chr2-185789643-CT-C. GRCh37 (hg19) VCF-style: chr2-186654370-CT-C.
Other names: short protein forms F837fs.
Identifiers: ClinVar variation 5019079 (VCV005019079.1).

ClinVar aggregate classification (germline): Likely pathogenic (1 of 4 stars; one submission).

Conditions:
Spermatogenic failure 34. Identifiers: MedGen C4748403, MONDO:0029148, OMIM 618153.

Submission:

Juno Genomics, Hangzhou Juno Genomics, Inc
Classification: Likely pathogenic for Spermatogenic failure 34. Review status: criteria provided, single submitter. Criteria: ACMG Guidelines, 2015. Collection method: clinical testing. Allele origin: germline. Affected: yes.
Comment: Absent from controls (or at extremely low frequency if recessive) in Genome Aggregation Database.;Null variant in a gene where loss of function (LOF) is a known mechanism of disease.